The following is an entry in ClinVar:

NM_000052.7(ATP7A):c.332A>C (p.Lys111Thr)

Gene: ATP7A (ATPase copper transporting alpha; plus strand). Cytogenetic location: Xq21.1.
Variant type: single nucleotide variant.
Coding change: c.332A>C on transcript NM_000052.7 (MANE Select); coding-DNA position 332, A replaced by C.
Protein change: p.Lys111Thr; replaces lysine 111 with threonine.
Molecular consequence: missense variant.
Genome position (GRCh38, 1-based): chrX:77,988,453, A>C. VCF-style: chrX-77988453-A-C. GRCh37 (hg19) VCF-style: chrX-77243949-A-C.
Other names: c.332A>C, p.Lys111Thr (NM_001282224.2); c.332A>C (NM_000052.4, NM_000052.6); short protein forms K111T.
Identifiers: ClinVar variation 1969000 (VCV001969000.7), dbSNP rs928516350, ClinGen allele CA331102721.

ClinVar aggregate classification (germline): Conflicting classifications of pathogenicity. Review status: criteria provided, conflicting classifications (1 of 4 stars). 2 submissions from 2 submitters: Uncertain significance (1); Likely benign (1). Last evaluated 2025-06-12.

Conditions:
Menkes kinky-hair syndrome (MNK). Also called: Classic Menkes Disease; Copper transport disease; Menkes Disease. Identifiers: Orphanet 565, MedGen C0022716, MONDO:0010651, OMIM 309400.
X-linked distal spinal muscular atrophy type 3. Also called: NEURONOPATHY, DISTAL HEREDITARY MOTOR, X-LINKED; NEUROPATHY, DISTAL HEREDITARY MOTOR, X-LINKED; ATP7A-Related Distal Motor Neuropathy; SPINAL MUSCULAR ATROPHY, DISTAL, X-LINKED RECESSIVE. Identifiers: Orphanet 139557, MedGen C1845359, MONDO:0010338, OMIM 300489.
Cutis laxa, X-linked (OHS). Also called: EDS IX; Occipital horn syndrome. Identifiers: Orphanet 198, MedGen C0268353, MONDO:0010572, OMIM 304150.
Neuronopathy, distal hereditary motor, autosomal dominant 1. Also called: NEURONOPATHY, DISTAL HEREDITARY MOTOR, HARDING TYPE I; NEUROPATHY, DISTAL HEREDITARY MOTOR, HARDING TYPE I; SPINAL MUSCULAR ATROPHY, DISTAL, JUVENILE, AUTOSOMAL DOMINANT, HARDING TYPE I; Neuronopathy, distal hereditary motor, type 1; HMN I; Neuronopathy, distal hereditary motor, type I. Identifiers: Orphanet 139518, MedGen C1866784, MONDO:0008451, OMIM 182960.

Allele frequency attached by ClinVar (database versions not stated): TOPMed 0.00001; gnomAD exomes 0.00002.
gnomAD v4.1: 8 of 1,211,585 alleles (0.00066%); highest among the groups gnomAD compares: Non-Finnish European, 0.00078%; no homozygotes.

Submissions (2):

Labcorp Genetics (formerly Invitae), Labcorp
Classification: Likely benign for X-linked distal spinal muscular atrophy type 3; Cutis laxa, X-linked; Menkes kinky-hair syndrome. Last evaluated: 2025-06-12. Review status: criteria provided, single submitter. Criteria: Invitae Variant Classification Sherloc (09022015). Collection method: clinical testing. Allele origin: germline.

GeneDx
Classification: Uncertain significance. Last evaluated: 2024-01-09. Review status: criteria provided, single submitter. Criteria: GeneDx Variant Classification Process June 2021. Collection method: clinical testing. Allele origin: germline. Affected: yes.
Comment: Has not been previously published as pathogenic or benign to our knowledge; In silico analysis supports that this missense variant does not alter protein structure/function